The following is an entry in ClinVar:

ClinVar aggregate classification (germline): Pathogenic. Review status: criteria provided, multiple submitters, no conflicts (2 of 4 stars). 3 submissions from 3 submitters: Pathogenic (3). Last evaluated 2024-10-29.

Conditions:
Cardiovascular phenotype. Identifiers: MedGen CN230736.
Long QT syndrome (LQTS). Identifiers: MedGen C0023976, MeSH D008133, MONDO:0002442. Disease mechanism: loss of function. Inheritance: Various modes of inheritance.

Submissions (3):

Ambry Genetics
Classification: Pathogenic for Cardiovascular phenotype. Last evaluated: 2024-10-29. Review status: criteria provided, single submitter. Criteria: Ambry Variant Classification Scheme 2023. Collection method: clinical testing. Allele origin: germline.
Comment: The c.2470delG pathogenic mutation, located in coding exon 10 of the KCNH2 gene, results from a deletion of one nucleotide at nucleotide position 2470, causing a translational frameshift with a predicted alternate stop codon (p.A824Pfs*44). This variant was reported in an individual with features consistent with long QT syndrome (Elsheshtawy M et al. Europace, 2018 Apr;20:635). This variant is considered to be rare based on population cohorts in the Genome Aggregation Database (gnomAD). This alteration is expected to result in loss of function by premature protein truncation or nonsense-mediated mRNA decay. As such, this alteration is interpreted as a disease-causing mutation.

Labcorp Genetics (formerly Invitae), Labcorp
Classification: Pathogenic for Long QT syndrome. Last evaluated: 2018-12-20. Review status: criteria provided, single submitter. Criteria: Invitae Variant Classification Sherloc (09022015). Collection method: clinical testing. Allele origin: germline.
Comment: For these reasons, this variant has been classified as Pathogenic. Loss-of-function variants in KCNH2 are known to be pathogenic (PMID: 10973849, 19862833). This sequence change creates a premature translational stop signal (p.Ala824Profs*44) in the KCNH2 gene. It is expected to result in an absent or disrupted protein product. This variant is not present in population databases (ExAC no frequency). This variant has not been reported in the literature in individuals with KCNH2-related conditions. ClinVar contains an entry for this variant (Variation ID: 418787).

GeneDx
Classification: Pathogenic. Last evaluated: 2015-04-03. Review status: criteria provided, single submitter. Criteria: GeneDx Variant Classification (06012015). Collection method: clinical testing. Allele origin: germline. Affected: yes.
Comment: Although the c.2470delG variant in the KCNH2 gene has not been reported to our knowledge, this variant is expected to result in either an abnormal, truncated proteinproduct or loss of protein from this allele through nonsense-mediated mRNA decay. Other frameshift variants in the KCNH2 gene have been reported in HGMD in association with LQTS (Stenson P et al., 2014). Furthermore, the c.2470delG deletion wasnot observed in approximately 6,500 individuals of European and African American ancestry in the NHLBI Exome Sequencing Project, indicating it is not a common benign variant in these populations.In summary, c.2470delG in the KCNH2 gene is interpreted as pathogenic.

Literature cited by the submitters: PubMed 29016752 (cited by Ambry Genetics); PubMed 10973849 (cited by Labcorp Genetics (formerly Invitae), Labcorp); PubMed 19862833 (cited by Labcorp Genetics (formerly Invitae), Labcorp).

NM_000238.4(KCNH2):c.2470del (p.Ala824fs)

Gene: KCNH2 (potassium voltage-gated channel subfamily H member 2; minus strand). Cytogenetic location: 7q36.1.
Variant type: Deletion.
Coding change: c.2470del on transcript NM_000238.4 (MANE Select); coding-DNA position 2470, one base deleted (G; older notation c.2470delG).
Protein change: p.Ala824fs; shifts the reading frame from alanine 824.
Molecular consequence: frameshift variant.
Genome position (GRCh38, 1-based): chr7:150,948,978, C deleted on the plus strand (G on the coding strand, the reverse complement: KCNH2 is on the minus strand); the first of 3 consecutive C bases (chr7:150,948,978-150,948,980); deleting any one gives the same sequence. VCF-style (leftmost placement, unchanged base first): chr7-150948977-GC-G. GRCh37 (hg19) VCF-style: chr7-150646065-GC-G.
Other names: c.1450del, p.Ala484fs (NM_172057.3); c.2470delG (NM_000238.3); short protein forms A484fs, A824fs.
Identifiers: ClinVar variation 418787 (VCV000418787.9), dbSNP rs1064793434, ClinGen allele CA16618402.